The following is an entry in ClinVar:

NM_001848.3(COL6A1):c.2250G>C (p.Gln750His)

Gene: COL6A1 (collagen type VI alpha 1 chain; plus strand). Cytogenetic location: 21q22.3.
Variant type: single nucleotide variant.
Coding change: c.2250G>C on transcript NM_001848.3 (MANE Select); coding-DNA position 2250, G replaced by C.
Protein change: p.Gln750His; replaces glutamine 750 with histidine.
Molecular consequence: missense variant.
Genome position (GRCh38, 1-based): chr21:46,002,401, G>C. VCF-style: chr21-46002401-G-C. GRCh37 (hg19) VCF-style: chr21-47422315-G-C.
Other names: short protein forms Q750H.
Identifiers: ClinVar variation 2026246 (VCV002026246.4), dbSNP rs2526350677, ClinGen allele CA410535865.
Genomic context (GRCh38, chr21:46,002,401, plus strand): 5'-GCGCTCAGACACTCAGAGGGACACCACACCGCTCAACGTGCTCTGCAGCCCCGGCATCCA[G>C]GTGGGGTGGCCACCCCCAGGCTGCACCTGCCCCGCCTAGGGCGCCCCGCCAGCCAGGGTG-3'
Protein context (NP_001839.2, residues 740-760): PLNVLCSPGI[Gln750His]VVSVGIKDVF

ClinVar aggregate classification (germline): Uncertain significance (1 of 4 stars; one submission).

Conditions:
Bethlem myopathy 1A. Also called: MYOPATHY, BENIGN CONGENITAL, WITH CONTRACTURES; Bethlem myopathy 1; Bethlem Muscular Dystrophy. Identifiers: Orphanet 610, MedGen CN029274, MONDO:0024530, OMIM 158810.

Allele frequency attached by ClinVar (database versions not stated): gnomAD exomes below 0.00001.

Submission:

Labcorp Genetics (formerly Invitae), Labcorp
Classification: Uncertain significance for Bethlem myopathy 1A. Last evaluated: 2022-08-24. Review status: criteria provided, single submitter. Criteria: Invitae Variant Classification Sherloc (09022015). Collection method: clinical testing. Allele origin: germline.
Comment: This variant is not present in population databases (gnomAD no frequency). This variant has not been reported in the literature in individuals affected with COL6A1-related conditions. Algorithms developed to predict the effect of missense changes on protein structure and function are either unavailable or do not agree on the potential impact of this missense change (SIFT: "Tolerated"; PolyPhen-2: "Probably Damaging"; Align-GVGD: "Class C0"). Variants that disrupt the consensus splice site are a relatively common cause of aberrant splicing (PMID: 17576681, 9536098). Algorithms developed to predict the effect of sequence changes on RNA splicing suggest that this variant may disrupt the consensus splice site. In summary, the available evidence is currently insufficient to determine the role of this variant in disease. Therefore, it has been classified as a Variant of Uncertain Significance. This sequence change replaces glutamine, which is neutral and polar, with histidine, which is basic and polar, at codon 750 of the COL6A1 protein (p.Gln750His). This variant also falls at the last nucleotide of exon 32, which is part of the consensus splice site for this exon.

Literature cited by the submitters: PubMed 17576681; PubMed 9536098.